The following is an entry in ClinVar:

NM_000218.3(KCNQ1):c.1265A>G (p.Lys422Arg)

Gene: KCNQ1 (potassium voltage-gated channel subfamily Q member 1; plus strand). Cytogenetic location: 11p15.5.
Variant type: single nucleotide variant.
Coding change: c.1265A>G on transcript NM_000218.3 (MANE Select); coding-DNA position 1265, A replaced by G.
Protein change: p.Lys422Arg; replaces lysine 422 with arginine.
Molecular consequence: missense variant.
Genome position (GRCh38, 1-based): chr11:2,588,726, A>G. VCF-style: chr11-2588726-A-G. GRCh37 (hg19) VCF-style: chr11-2609956-A-G.
Other names: c.1169A>G, p.Lys390Arg (NM_001406836.1); c.995A>G, p.Lys332Arg (NM_001406837.1); c.725A>G, p.Lys242Arg (NM_001406838.1); c.884A>G, p.Lys295Arg (NM_181798.2); short protein forms K242R, K295R, K332R, K390R, K422R.
Identifiers: ClinVar variation 3902987 (VCV003902987.1).

ClinVar aggregate classification (germline): Uncertain significance (1 of 4 stars; one submission).

gnomAD v4.1: 1 of 1,613,514 alleles (0.000062%); highest among the groups gnomAD compares: African/African-American, 0.0013%; no homozygotes.

Submission:

GeneDx
Classification: Uncertain significance. Last evaluated: 2024-12-11. Review status: criteria provided, single submitter. Criteria: GeneDx Variant Classification Process June 2021. Collection method: clinical testing. Allele origin: germline. Affected: yes.
Comment: In silico analysis indicates that this missense variant does not alter protein structure/function; Has not been previously published as pathogenic or benign to our knowledge